The following is an entry in ClinVar:

NM_032119.4(ADGRV1):c.7179C>T (p.Asp2393=)

Gene: ADGRV1 (adhesion G protein-coupled receptor V1; plus strand). Cytogenetic location: 5q14.3.
Variant type: single nucleotide variant.
Coding change: c.7179C>T on transcript NM_032119.4 (MANE Select); coding-DNA position 7179, C replaced by T.
Protein change: p.Asp2393=; no amino-acid change (aspartic acid 2393 retained).
Molecular consequence: synonymous variant. On other transcripts: non-coding transcript variant (1).
Genome position (GRCh38, 1-based): chr5:90,693,935, C>T. VCF-style: chr5-90693935-C-T. GRCh37 (hg19) VCF-style: chr5-89989752-C-T.
Other names: p.D2393D:GAC>GAT.
Identifiers: ClinVar variation 46364 (VCV000046364.51), dbSNP rs111033429, ClinGen allele CA138198.

ClinVar aggregate classification (germline): Benign/Likely benign. Review status: criteria provided, multiple submitters, no conflicts (2 of 4 stars). 11 submissions from 11 submitters: Benign (5); Likely benign (2). 4 of the submissions do not count toward it. Last evaluated 2026-09-01.

Conditions:
Usher syndrome type 2C. Also called: Usher syndrome, type 2B; USHER SYNDROME, TYPE IIC. Identifiers: Orphanet 231178, Orphanet 886, MedGen C2931213, MONDO:0011558, OMIM 605472.

Allele frequency attached by ClinVar (database versions not stated): gnomAD 0.00742 and 0.00767; gnomAD exomes 0.00817 and 0.00979; ESP Exome Variant Server 0.00764; 1000 Genomes Project 30x 0.00281; 1000 Genomes Project 0.00280; TOPMed 0.00602; ExAC 0.01053.
gnomAD v4.1: 15,079 of 1,597,582 alleles (0.94%); highest among the groups gnomAD compares: Non-Finnish European, 1.1%; 96 homozygotes.

Submissions (11):

CeGaT Center for Human Genetics Tuebingen
Classification: Benign. Last evaluated: 2026-09-01. Review status: criteria provided, single submitter. Criteria: CeGaT Center For Human Genetics Tuebingen Variant Classification Criteria Version 2. Collection method: clinical testing. Allele origin: germline. Affected: yes. Observed: 11 variant alleles.
Comment: ADGRV1: BP4, BP7, BS1, BS2

Labcorp Genetics (formerly Invitae), Labcorp
Classification: Benign. Last evaluated: 2026-02-04. Review status: criteria provided, single submitter. Criteria: Invitae Variant Classification Sherloc (09022015). Collection method: clinical testing. Allele origin: germline.

Illumina Laboratory Services, Illumina
Classification: Likely benign for Usher syndrome type 2C. Last evaluated: 2018-01-12. Review status: criteria provided, single submitter. Criteria: ICSL Variant Classification Criteria 13 December 2019. Collection method: clinical testing. Allele origin: germline.
Comment: This variant was observed in the ICSL laboratory as part of a predisposition screen in an ostensibly healthy population. It had not been previously curated by ICSL or reported in the Human Gene Mutation Database (HGMD: prior to June 1st, 2018), and was therefore a candidate for classification through an automated scoring system. Utilizing variant allele frequency, disease prevalence and penetrance estimates, and inheritance mode, an automated score was calculated to assess if this variant is too frequent to cause the disease. Based on the score and internal cut-off values, a variant classified as likely benign is not then subjected to further curation. The score for this variant resulted in a classification of likely benign for this disease.

Athena Diagnostics
Classification: Benign. Last evaluated: 2017-11-28. Review status: criteria provided, single submitter. Criteria: Athena Diagnostics Criteria. Collection method: clinical testing. Allele origin: germline.

GeneDx
Classification: Benign. Last evaluated: 2013-05-13. Review status: criteria provided, single submitter. Criteria: GeneDx Variant Classification (06012015). Collection method: clinical testing. Allele origin: germline. Affected: yes.
Comment: This variant is considered likely benign or benign based on one or more of the following criteria: it is a conservative change, it occurs at a poorly conserved position in the protein, it is predicted to be benign by multiple in silico algorithms, and/or has population frequency not consistent with disease.

Laboratory for Molecular Medicine, Mass General Brigham Personalized Medicine
Classification: Benign. Last evaluated: 2012-04-17. Review status: criteria provided, single submitter. Criteria: LMM Criteria. Collection method: clinical testing. Allele origin: germline. Observed: 25 variant alleles.
Comment: Asp2393Asp in exon 33 of GPR98: This variant is not expected to have clinical si gnificance because it does not alter an amino acid residue, is not located withi n the splice consensus sequence and has been identified in 0.98% (65/6648) of Eu ropean American chromosomes in a broad population by the NHLBI Exome sequencing project (dbSNP rs111033429).

Breakthrough Genomics
Classification: Likely benign. Review status: criteria provided, single submitter. Criteria: ACMG Guidelines, 2015. Collection method: not provided. Allele origin: germline. Inheritance: Autosomal recessive inheritance. Affected: yes.

Clinical Genetics DNA and cytogenetics Diagnostics Lab, Erasmus MC, Erasmus Medical Center
Classification: Likely benign. Review status: no assertion criteria provided. Collection method: clinical testing. Allele origin: germline. Affected: yes. Study: VKGL Data-share Consensus. Not counted in ClinVar's aggregate classification.

Diagnostic Laboratory, Department of Genetics, University Medical Center Groningen
Classification: Benign. Review status: no assertion criteria provided. Collection method: clinical testing. Allele origin: germline. Affected: yes. Study: VKGL Data-share Consensus. Not counted in ClinVar's aggregate classification.

Genetic Services Laboratory, University of Chicago
Classification: Likely benign. Review status: no assertion criteria provided. Collection method: clinical testing. Allele origin: germline. Inheritance: Autosomal dominant inheritance. Not counted in ClinVar's aggregate classification.
Comment: Likely benign based on allele frequency in 1000 Genomes Project or ESP global frequency and its presence in a patient with a rare or unrelated disease phenotype. NOT Sanger confirmed

Genome Diagnostics Laboratory, University Medical Center Utrecht
Classification: Likely benign. Review status: no assertion criteria provided. Collection method: clinical testing. Allele origin: germline. Affected: yes. Study: VKGL Data-share Consensus. Not counted in ClinVar's aggregate classification.